The following is an entry in ClinVar:

NM_000238.4(KCNH2):c.2775G>A (p.Gly925=)

Gene: KCNH2 (potassium voltage-gated channel subfamily H member 2; minus strand). Cytogenetic location: 7q36.1.
Variant type: single nucleotide variant.
Coding change: c.2775G>A on transcript NM_000238.4 (MANE Select); coding-DNA position 2775, G replaced by A.
Protein change: p.Gly925=; no amino-acid change (glycine 925 retained).
Molecular consequence: synonymous variant.
Genome position (GRCh38, 1-based): chr7:150,947,796, C>T on the plus strand (G>A on the coding strand, the complement: KCNH2 is on the minus strand). VCF-style: chr7-150947796-C-T. GRCh37 (hg19) VCF-style: chr7-150644884-C-T.
Other names: c.2487G>A, p.Gly829= (NM_001406753.1); c.1755G>A, p.Gly585= (NM_172057.3).
Identifiers: ClinVar variation 1779467 (VCV001779467.3), dbSNP rs1800968726, ClinGen allele CA458871197.

ClinVar aggregate classification (germline): Likely benign. Review status: criteria provided, multiple submitters, no conflicts (2 of 4 stars). 2 submissions from 2 submitters: Likely benign (2). Last evaluated 2023-12-07.

Conditions:
Cardiovascular phenotype. Identifiers: MedGen CN230736.
Long QT syndrome (LQTS). Identifiers: MedGen C0023976, MeSH D008133, MONDO:0002442. Disease mechanism: loss of function. Inheritance: Various modes of inheritance.

gnomAD v4.1: 2 of 1,530,388 alleles (0.00013%); highest among the groups gnomAD compares: East Asian, 0.0025%; no homozygotes.

Submissions (2):

All of Us Research Program, National Institutes of Health
Classification: Likely benign for Long QT syndrome. Last evaluated: 2023-12-07. Review status: criteria provided, single submitter. Criteria: ACMG Guidelines, 2015. Collection method: clinical testing. Allele origin: germline. Inheritance: Autosomal dominant inheritance. Observed: 2 variant alleles, 2 heterozygotes.
Comment: This study involves interpretation of variants in research participants for the purpose of population health screening. Participant phenotype was not available at the time of variant classification. Additional details can be found in publication PMID: 35346344, PMCID: PMC8962531

Ambry Genetics
Classification: Likely benign for Cardiovascular phenotype. Last evaluated: 2020-01-30. Review status: criteria provided, single submitter. Criteria: Ambry Variant Classification Scheme 2023. Collection method: clinical testing. Allele origin: germline.